The following is an entry in ClinVar:

NM_000535.7(PMS2):c.553G>T (p.Val185Phe)

Gene: PMS2 (PMS1 homolog 2, mismatch repair system component; minus strand). Cytogenetic location: 7p22.1.
Variant type: single nucleotide variant.
Coding change: c.553G>T on transcript NM_000535.7 (MANE Select); coding-DNA position 553, G replaced by T.
Protein change: p.Val185Phe; replaces valine 185 with phenylalanine.
Molecular consequence: missense variant. On other transcripts: non-coding transcript variant (1), intron variant (3).
Genome position (GRCh38, 1-based): chr7:5,999,260, C>A on the plus strand (G>T on the coding strand, the complement: PMS2 is on the minus strand). VCF-style: chr7-5999260-C-A. GRCh37 (hg19) VCF-style: chr7-6038891-C-A.
Other names: c.148G>T, p.Val50Phe (NM_001322003.2, NM_001322004.2, NM_001322005.2 and 2 more transcripts); c.553G>T, p.Val185Phe (NM_001322006.2, NM_001322014.2); c.235G>T, p.Val79Phe (NM_001322007.2, NM_001322008.2); c.244G>T, p.Val82Phe (NM_001322015.2); c.133-1837G>T (NM_001322013.2); c.-347-34G>T (NM_001322012.2, NM_001322011.2); short protein forms V185F, V50F, V79F, V82F.
Identifiers: ClinVar variation 1006662 (VCV001006662.6), dbSNP rs1583387731, ClinGen allele CA366744103.

ClinVar aggregate classification (germline): Uncertain significance (1 of 4 stars; one submission).

Conditions:
Hereditary nonpolyposis colorectal neoplasms. Identifiers: MedGen C0009405, MeSH D003123.

Submission:

Labcorp Genetics (formerly Invitae), Labcorp
Classification: Uncertain significance for Hereditary nonpolyposis colorectal neoplasms. Last evaluated: 2022-09-14. Review status: criteria provided, single submitter. Criteria: Invitae Variant Classification Sherloc (09022015). Collection method: clinical testing. Allele origin: germline.
Comment: This sequence change replaces valine, which is neutral and non-polar, with phenylalanine, which is neutral and non-polar, at codon 185 of the PMS2 protein (p.Val185Phe). This variant is not present in population databases (gnomAD no frequency). This variant has not been reported in the literature in individuals affected with PMS2-related conditions. ClinVar contains an entry for this variant (Variation ID: 1006662). Advanced modeling of protein sequence and biophysical properties (such as structural, functional, and spatial information, amino acid conservation, physicochemical variation, residue mobility, and thermodynamic stability) performed at Invitae indicates that this missense variant is expected to disrupt PMS2 protein function. In summary, the available evidence is currently insufficient to determine the role of this variant in disease. Therefore, it has been classified as a Variant of Uncertain Significance.